The following is an entry in ClinVar:

ClinVar aggregate classification (germline): Conflicting classifications of pathogenicity. Review status: criteria provided, conflicting classifications (1 of 4 stars). 3 submissions from 3 submitters: Uncertain significance (1); Likely benign (1). 1 of the submissions does not count toward it. Last evaluated 2025-04-12.

Conditions:
Inborn genetic diseases. Identifiers: MedGen C0950123, MeSH D030342.
ITGA2-related disorder. Also called: ITGA2-related condition.
Platelet-type bleeding disorder 9 (BDPLT9). Also called: GLYCOPROTEIN Ia DEFICIENCY; GP Ia DEFICIENCY; COLLAGEN PLATELET RECEPTOR DEFICIENCY. Identifiers: Orphanet 73271, Orphanet 98886, MedGen C3280114, MONDO:0013622, OMIM 614200.

Allele frequency attached by ClinVar (database versions not stated): gnomAD 0.00002; gnomAD exomes 0.00002 and 0.00004; TOPMed 0.00004; ExAC 0.00007; ESP Exome Variant Server 0.00015.
gnomAD v4.1: 34 of 1,612,342 alleles (0.0021%); highest among the groups gnomAD compares: Non-Finnish European, 0.0014%; no homozygotes.

Submissions (3):

Ambry Genetics
Classification: Uncertain significance for Inborn genetic diseases. Last evaluated: 2025-04-12. Review status: criteria provided, single submitter. Criteria: Ambry Variant Classification Scheme 2023. Collection method: clinical testing. Allele origin: germline.

Illumina Laboratory Services, Illumina
Classification: Likely benign for Platelet-type bleeding disorder 9. Last evaluated: 2018-01-13. Review status: criteria provided, single submitter. Criteria: ICSL Variant Classification Criteria 13 December 2019. Collection method: clinical testing. Allele origin: germline.
Comment: This variant was observed in the ICSL laboratory as part of a predisposition screen in an ostensibly healthy population. It had not been previously curated by ICSL or reported in the Human Gene Mutation Database (HGMD: prior to June 1st, 2018), and was therefore a candidate for classification through an automated scoring system. Utilizing variant allele frequency, disease prevalence and penetrance estimates, and inheritance mode, an automated score was calculated to assess if this variant is too frequent to cause the disease. Based on the score and internal cut-off values, a variant classified as likely benign is not then subjected to further curation. The score for this variant resulted in a classification of likely benign for this disease.

PreventionGenetics, part of Exact Sciences
Classification: Uncertain significance for ITGA2-related condition. Last evaluated: 2024-09-05. Review status: no assertion criteria provided. Collection method: clinical testing. Allele origin: germline. Not counted in ClinVar's aggregate classification.
Comment: The ITGA2 c.2608T>C variant is predicted to result in the amino acid substitution p.Ser870Pro. To our knowledge, this variant has not been reported in the literature. This variant is reported in 0.058% of alleles in individuals of Ashkenazi Jewish descent in gnomAD. At this time, the clinical significance of this variant is uncertain due to the absence of conclusive functional and genetic evidence.

NM_002203.4(ITGA2):c.2608T>C (p.Ser870Pro)

Gene: ITGA2 (integrin subunit alpha 2; plus strand). Cytogenetic location: 5q11.2.
Variant type: single nucleotide variant.
Coding change: c.2608T>C on transcript NM_002203.4 (MANE Select); coding-DNA position 2608, T replaced by C.
Protein change: p.Ser870Pro; replaces serine 870 with proline.
Molecular consequence: missense variant. On other transcripts: non-coding transcript variant (5).
Genome position (GRCh38, 1-based): chr5:53,074,421, T>C. VCF-style: chr5-53074421-T-C. GRCh37 (hg19) VCF-style: chr5-52370251-T-C.
Other names: short protein forms S870P.
Identifiers: ClinVar variation 907938 (VCV000907938.9), dbSNP rs148313613, ClinGen allele CA3263255.